The following is an entry in ClinVar:

NM_001101362.3(KBTBD13):c.740C>G (p.Pro247Arg)

Gene: KBTBD13 (kelch repeat and BTB domain containing 13; plus strand). Cytogenetic location: 15q22.31.
Variant type: single nucleotide variant.
Coding change: c.740C>G on transcript NM_001101362.3 (MANE Select); coding-DNA position 740, C replaced by G.
Protein change: p.Pro247Arg; replaces proline 247 with arginine.
Molecular consequence: missense variant.
Genome position (GRCh38, 1-based): chr15:65,077,555, C>G. VCF-style: chr15-65077555-C-G. GRCh37 (hg19) VCF-style: chr15-65369893-C-G.
Other names: short protein forms P247R.
Identifiers: ClinVar variation 2017500 (VCV002017500.5), dbSNP rs761257003, ClinGen allele CA392862861.

ClinVar aggregate classification (germline): Uncertain significance. Review status: criteria provided, multiple submitters, no conflicts (2 of 4 stars). 2 submissions from 2 submitters: Uncertain significance (2). Last evaluated 2025-03-03.

Conditions:
Inborn genetic diseases. Identifiers: MedGen C0950123, MeSH D030342.
Nemaline myopathy 6 (NEM6). Also called: Nemaline myopathy 6, autosomal dominant. Identifiers: Orphanet 171439, MedGen C1836472, MONDO:0012237, OMIM 609273.

gnomAD v4.1: 3 of 1,542,008 alleles (0.00019%); highest among the groups gnomAD compares: African/African-American, 0.0014%; no homozygotes.

Submissions (2):

Ambry Genetics
Classification: Uncertain significance for Inborn genetic diseases. Last evaluated: 2025-03-03. Review status: criteria provided, single submitter. Criteria: Ambry Variant Classification Scheme 2023. Collection method: clinical testing. Allele origin: germline.

Labcorp Genetics (formerly Invitae), Labcorp
Classification: Uncertain significance for Nemaline myopathy 6. Last evaluated: 2024-09-21. Review status: criteria provided, single submitter. Criteria: Invitae Variant Classification Sherloc (09022015). Collection method: clinical testing. Allele origin: germline.
Comment: This sequence change replaces proline, which is neutral and non-polar, with arginine, which is basic and polar, at codon 247 of the KBTBD13 protein (p.Pro247Arg). This variant is not present in population databases (gnomAD no frequency). This variant has not been reported in the literature in individuals affected with KBTBD13-related conditions. ClinVar contains an entry for this variant (Variation ID: 2017500). Invitae Evidence Modeling of protein sequence and biophysical properties (such as structural, functional, and spatial information, amino acid conservation, physicochemical variation, residue mobility, and thermodynamic stability) indicates that this missense variant is not expected to disrupt KBTBD13 protein function with a negative predictive value of 80%. In summary, the available evidence is currently insufficient to determine the role of this variant in disease. Therefore, it has been classified as a Variant of Uncertain Significance.